The following is an entry in ClinVar:

ClinVar aggregate classification (germline): Uncertain significance. Review status: criteria provided, multiple submitters, no conflicts (2 of 4 stars). 2 submissions from 2 submitters: Uncertain significance (2). Last evaluated 2025-10-11.

Conditions:
SLC12A2-related disorder. Also called: SLC12A2-related condition; SLC12A2-related disorders.

Allele frequency attached by ClinVar (database versions not stated): gnomAD exomes 0.00001; gnomAD 0.00003; TOPMed 0.00003.
gnomAD v4.1: 24 of 1,591,292 alleles (0.0015%); highest among the groups gnomAD compares: Non-Finnish European, 0.002%; no homozygotes.

Submissions (2):

PreventionGenetics, part of Exact Sciences
Classification: Uncertain significance for SLC12A2-related condition. Last evaluated: 2025-10-11. Review status: criteria provided, single submitter. Criteria: ACMG Guidelines, 2015. Collection method: clinical testing. Allele origin: germline.
Comment: The SLC12A2 c.395G>A variant is predicted to result in the amino acid substitution p.Ser132Asn. To our knowledge, this variant has not been reported in the literature. This variant is reported in 0.0011% of alleles in individuals of European (Non-Finnish) descent in gnomAD. At this time, the clinical significance of this variant is uncertain due to the absence of conclusive functional and genetic evidence.

CeGaT Center for Human Genetics Tuebingen
Classification: Uncertain significance. Last evaluated: 2022-04-01. Review status: criteria provided, single submitter. Criteria: CeGaT Center For Human Genetics Tuebingen Variant Classification Criteria Version 2. Collection method: clinical testing. Allele origin: germline. Affected: yes. Observed: 1 variant allele.
Comment: SLC12A2: PM2:Supporting

NM_001046.3(SLC12A2):c.395G>A (p.Ser132Asn)

Gene: SLC12A2 (solute carrier family 12 member 2; plus strand). Cytogenetic location: 5q23.3.
Variant type: single nucleotide variant.
Coding change: c.395G>A on transcript NM_001046.3 (MANE Select); coding-DNA position 395, G replaced by A.
Protein change: p.Ser132Asn; replaces serine 132 with asparagine.
Molecular consequence: missense variant. On other transcripts: non-coding transcript variant (1).
Genome position (GRCh38, 1-based): chr5:128,084,349, G>A. VCF-style: chr5-128084349-G-A. GRCh37 (hg19) VCF-style: chr5-127420041-G-A.
Other names: c.395G>A (NM_001046.2); c.395G>A, p.Ser132Asn (NM_001256461.2); short protein forms S132N.
Identifiers: ClinVar variation 2655674 (VCV002655674.25), dbSNP rs912070089, ClinGen allele CA126980581.